The following is an entry in ClinVar:

ClinVar aggregate classification (germline): Likely benign. Review status: criteria provided, multiple submitters, no conflicts (2 of 4 stars). 3 submissions from 3 submitters: Likely benign (2). 1 of the submissions does not count toward it. Last evaluated 2025-07-10.

Conditions:
PLXNA2-related disorder. Also called: PLXNA2-related condition.

Allele frequency attached by ClinVar (database versions not stated): gnomAD 0.00005 and 0.00006; gnomAD exomes 0.00006 and 0.00016; TOPMed 0.00009; ExAC 0.00020.
gnomAD v4.1: 104 of 1,614,126 alleles (0.0064%); highest among the groups gnomAD compares: Admixed American, 0.058%; 1 homozygote.

Submissions (3):

Labcorp Genetics (formerly Invitae), Labcorp
Classification: Likely benign. Last evaluated: 2025-07-10. Review status: criteria provided, single submitter. Criteria: Invitae Variant Classification Sherloc (09022015). Collection method: clinical testing. Allele origin: germline.

Breakthrough Genomics
Classification: Likely benign. Review status: criteria provided, single submitter. Criteria: ACMG Guidelines, 2015. Collection method: not provided. Allele origin: germline. Inheritance: Unknown mechanism. Affected: yes.

PreventionGenetics, part of Exact Sciences
Classification: Likely benign for PLXNA2-related condition. Last evaluated: 2022-03-25. Review status: no assertion criteria provided. Collection method: clinical testing. Allele origin: germline. Not counted in ClinVar's aggregate classification.
Comment: This variant is classified as likely benign based on ACMG/AMP sequence variant interpretation guidelines (Richards et al. 2015 PMID: 25741868, with internal and published modifications).

NM_025179.4(PLXNA2):c.2196C>T (p.Ser732=)

Gene: PLXNA2 (plexin A2; minus strand). Cytogenetic location: 1q32.2.
Variant type: single nucleotide variant.
Coding change: c.2196C>T on transcript NM_025179.4 (MANE Select); coding-DNA position 2196, C replaced by T.
Protein change: p.Ser732=; no amino-acid change (serine 732 retained).
Molecular consequence: synonymous variant.
Genome position (GRCh38, 1-based): chr1:208,084,482, G>A on the plus strand (C>T on the coding strand, the complement: PLXNA2 is on the minus strand). VCF-style: chr1-208084482-G-A. GRCh37 (hg19) VCF-style: chr1-208257827-G-A.
Other names: c.2196C>T (NM_025179.3).
Identifiers: ClinVar variation 1664582 (VCV001664582.11), dbSNP rs747897687, ClinGen allele CA1373608.
Genomic context (GRCh38, chr1:208,084,482, plus strand): 5'-AGCGGGGACCCGGTGGATGGCTCCTTGTATGTTGAGGACACACTCATAGCCTCGCTGGCC[G>A]GACTGCGGCTGGGGCAGATTTCGCGCCTTAAGGGTGATTGGCTTTACCTCCCCGACTGGA-3'
Protein context (NP_079455.3, residues 722-742): LKARNLPQPQ[Ser732=]GQRGYECVLN